The following is an entry in ClinVar:

NM_014669.5(NUP93):c.229C>T (p.Arg77Ter)

Gene: NUP93 (nucleoporin 93; plus strand). Cytogenetic location: 16q13.
Variant type: single nucleotide variant.
Coding change: c.229C>T on transcript NM_014669.5 (MANE Select); coding-DNA position 229, C replaced by T.
Protein change: p.Arg77Ter; replaces arginine 77 with a stop codon.
Molecular consequence: nonsense.
Genome position (GRCh38, 1-based): chr16:56,758,587, C>T. VCF-style: chr16-56758587-C-T. GRCh37 (hg19) VCF-style: chr16-56792499-C-T.
Other names: short protein forms R77*.
Identifiers: ClinVar variation 2153332 (VCV002153332.1), dbSNP rs1962069724, ClinGen allele CA395969738.
Genomic context (GRCh38, chr16:56,758,587, plus strand): 5'-TCCTCACATAGGTCAGTTCTCCTCGGGTCTCGGGGACTTGACATATCCCACATCTCCCAG[C>T]GATTGGAGAGTCTGAGTGCAGCCACCACCTTTGAGCCTCTTGAGCCTGTGAAGGACACTG-3'

ClinVar aggregate classification (germline): Pathogenic (1 of 4 stars; one submission).

Allele frequency attached by ClinVar (database versions not stated): TOPMed 0.00001.

Submission:

Labcorp Genetics (formerly Invitae), Labcorp
Classification: Pathogenic. Last evaluated: 2022-07-05. Review status: criteria provided, single submitter. Criteria: Invitae Variant Classification Sherloc (09022015). Collection method: clinical testing. Allele origin: germline.
Comment: This sequence change creates a premature translational stop signal (p.Arg77*) in the NUP93 gene. It is expected to result in an absent or disrupted protein product. Loss-of-function variants in NUP93 are known to be pathogenic (PMID: 26878725, 31315584). This variant is not present in population databases (gnomAD no frequency). This variant has not been reported in the literature in individuals affected with NUP93-related conditions. For these reasons, this variant has been classified as Pathogenic.

Literature cited by the submitters: PubMed 26878725; PubMed 31315584.